The following is an entry in ClinVar:

ClinVar aggregate classification (germline): Benign. Review status: criteria provided, multiple submitters, no conflicts (2 of 4 stars). 2 submissions from 2 submitters: Benign (2). Last evaluated 2018-06-16.

Allele frequency attached by ClinVar (database versions not stated): 1000 Genomes Project 0.04113; gnomAD 0.04357 and 0.04048; 1000 Genomes Project 30x 0.04544; TOPMed 0.04693.
gnomAD v4.1: 10,289 of 1,215,054 alleles (0.85%); highest among the groups gnomAD compares: African/African-American, 14%; 678 homozygotes.

Submissions (2):

GeneDx
Classification: Benign. Last evaluated: 2018-06-16. Review status: criteria provided, single submitter. Criteria: GeneDx Variant Classification (06012015). Collection method: clinical testing. Allele origin: germline. Affected: yes.
Comment: This variant is considered likely benign or benign based on one or more of the following criteria: it is a conservative change, it occurs at a poorly conserved position in the protein, it is predicted to be benign by multiple in silico algorithms, and/or has population frequency not consistent with disease.

Breakthrough Genomics
Classification: Benign. Review status: criteria provided, single submitter. Criteria: ACMG Guidelines, 2015. Collection method: not provided. Allele origin: germline. Inheritance: Autosomal recessive inheritance. Affected: yes.

NM_001184.4(ATR):c.151+72G>A

Gene: ATR (ATR checkpoint kinase; minus strand). Cytogenetic location: 3q23.
Variant type: single nucleotide variant.
Coding change: c.151+72G>A on transcript NM_001184.4 (MANE Select); 72 bases into the intron after coding-DNA position 151, G replaced by A.
Molecular consequence: intron variant.
Genome position (GRCh38, 1-based): chr3:142,567,991, C>T on the plus strand (G>A on the coding strand, the complement: ATR is on the minus strand). VCF-style: chr3-142567991-C-T. GRCh37 (hg19) VCF-style: chr3-142286833-C-T.
Other names: c.151+72G>A (NM_001354579.2).
Identifiers: ClinVar variation 675576 (VCV000675576.2), dbSNP rs79601680, ClinGen allele CA84759150.